The following is an entry in ClinVar:

NM_000843.4(GRM6):c.818C>A (p.Ala273Asp)

Gene: GRM6 (glutamate metabotropic receptor 6; minus strand). Cytogenetic location: 5q35.3.
Variant type: single nucleotide variant.
Coding change: c.818C>A on transcript NM_000843.4 (MANE Select); coding-DNA position 818, C replaced by A.
Protein change: p.Ala273Asp; replaces alanine 273 with aspartic acid.
Molecular consequence: missense variant.
Genome position (GRCh38, 1-based): chr5:178,991,463, G>T on the plus strand (C>A on the coding strand, the complement: GRM6 is on the minus strand). VCF-style: chr5-178991463-G-T. GRCh37 (hg19) VCF-style: chr5-178418464-G-T.
Other names: short protein forms A273D.
Identifiers: ClinVar variation 1379066 (VCV001379066.8), dbSNP rs1439203052, ClinGen allele CA362432866.

ClinVar aggregate classification (germline): Uncertain significance (1 of 4 stars; one submission).

Allele frequency attached by ClinVar (database versions not stated): gnomAD exomes below 0.00001.

Submission:

Labcorp Genetics (formerly Invitae), Labcorp
Classification: Uncertain significance. Last evaluated: 2024-02-24. Review status: criteria provided, single submitter. Criteria: Invitae Variant Classification Sherloc (09022015). Collection method: clinical testing. Allele origin: germline.
Comment: This sequence change replaces alanine, which is neutral and non-polar, with aspartic acid, which is acidic and polar, at codon 273 of the GRM6 protein (p.Ala273Asp). This variant is present in population databases (no rsID available, gnomAD 0.0009%). This variant has not been reported in the literature in individuals affected with GRM6-related conditions. ClinVar contains an entry for this variant (Variation ID: 1379066). Advanced modeling of protein sequence and biophysical properties (such as structural, functional, and spatial information, amino acid conservation, physicochemical variation, residue mobility, and thermodynamic stability) performed at Invitae indicates that this missense variant is expected to disrupt GRM6 protein function with a positive predictive value of 80%. In summary, the available evidence is currently insufficient to determine the role of this variant in disease. Therefore, it has been classified as a Variant of Uncertain Significance.